The following is an entry in ClinVar:

NM_000829.4(GRIA4):c.2T>C (p.Met1Thr)

Gene: GRIA4 (glutamate ionotropic receptor AMPA type subunit 4; plus strand). Cytogenetic location: 11q22.3.
Variant type: single nucleotide variant.
Coding change: c.2T>C on transcript NM_000829.4 (MANE Select); coding-DNA position 2, T replaced by C.
Protein change: p.Met1Thr; changes the start codon (methionine 1).
Molecular consequence: missense variant, initiator codon variant. On other transcripts: non-coding transcript variant (1).
Genome position (GRCh38, 1-based): chr11:105,610,999, T>C. VCF-style: chr11-105610999-T-C. GRCh37 (hg19) VCF-style: chr11-105481726-T-C.
Other names: c.2T>C, p.Met1Thr (NM_001077243.3, NM_001077244.2, NM_001112812.2 and 20 more transcripts); short protein forms M1T.
Identifiers: ClinVar variation 4735457 (VCV004735457.1).

ClinVar aggregate classification (germline): Uncertain significance (1 of 4 stars; one submission).

Submission:

Labcorp Genetics (formerly Invitae), Labcorp
Classification: Uncertain significance. Last evaluated: 2026-01-16. Review status: criteria provided, single submitter. Criteria: Invitae Variant Classification Sherloc (09022015). Collection method: clinical testing. Allele origin: germline.
Comment: This sequence change affects the initiator codon of the GRIA4 mRNA. This change may impact translation initiation or efficiency. The next in-frame methionine is located at codon 20. This variant is not present in population databases (gnomAD no frequency). This variant has not been reported in the literature in individuals affected with GRIA4-related conditions. In summary, the available evidence is currently insufficient to determine the role of this variant in disease. Therefore, it has been classified as a Variant of Uncertain Significance.